The following is an entry in ClinVar:

NM_001408.3(CELSR2):c.2966G>A (p.Arg989Gln)

Genes: CELSR2 (cadherin EGF LAG seven-pass G-type receptor 2; plus strand), LOC110121283 (VISTA enhancer hs2216; plus strand). Cytogenetic location: 1p13.3.
Variant type: single nucleotide variant.
Coding change: c.2966G>A on transcript NM_001408.3 (MANE Select); coding-DNA position 2966, G replaced by A.
Protein change: p.Arg989Gln; replaces arginine 989 with glutamine.
Molecular consequence: missense variant.
Genome position (GRCh38, 1-based): chr1:109,253,045, G>A. VCF-style: chr1-109253045-G-A. GRCh37 (hg19) VCF-style: chr1-109795667-G-A.
Other names: short protein forms R989Q.
Identifiers: ClinVar variation 2521547 (VCV002521547.5), dbSNP rs371103449, ClinGen allele CA28621384.

ClinVar aggregate classification (germline): Uncertain significance. Review status: criteria provided, multiple submitters, no conflicts (2 of 4 stars). 2 submissions from 2 submitters: Uncertain significance (2). Last evaluated 2023-04-12.

Allele frequency attached by ClinVar (database versions not stated): TOPMed 0.00003; gnomAD 0.00004.
gnomAD v4.1: 31 of 1,613,558 alleles (0.0019%); highest among the groups gnomAD compares: African/African-American, 0.0027%; no homozygotes.

Submissions (2):

Ambry Genetics
Classification: Uncertain significance. Last evaluated: 2023-04-12. Review status: criteria provided, single submitter. Criteria: Ambry Variant Classification Scheme 2023. Collection method: clinical testing. Allele origin: germline.

Labcorp Genetics (formerly Invitae), Labcorp
Classification: Uncertain significance. Last evaluated: 2022-11-17. Review status: criteria provided, single submitter. Criteria: Invitae Variant Classification Sherloc (09022015). Collection method: clinical testing. Allele origin: germline.
Comment: This sequence change replaces arginine, which is basic and polar, with glutamine, which is neutral and polar, at codon 989 of the CELSR2 protein (p.Arg989Gln). This variant is present in population databases (rs371103449, gnomAD 0.003%). In summary, the available evidence is currently insufficient to determine the role of this variant in disease. Therefore, it has been classified as a Variant of Uncertain Significance. Advanced modeling of protein sequence and biophysical properties (such as structural, functional, and spatial information, amino acid conservation, physicochemical variation, residue mobility, and thermodynamic stability) performed at Invitae indicates that this missense variant is not expected to disrupt CELSR2 protein function. This variant has not been reported in the literature in individuals affected with CELSR2-related conditions.